The following is an entry in ClinVar:

NM_007325.5(GRIA3):c.390C>T (p.Pro130=)

Gene: GRIA3 (glutamate ionotropic receptor AMPA type subunit 3; plus strand). Cytogenetic location: Xq25.
Variant type: single nucleotide variant.
Coding change: c.390C>T on transcript NM_007325.5 (MANE Select); coding-DNA position 390, C replaced by T.
Protein change: p.Pro130=; no amino-acid change (proline 130 retained).
Molecular consequence: synonymous variant.
Genome position (GRCh38, 1-based): chrX:123,253,424, C>T. VCF-style: chrX-123253424-C-T. GRCh37 (hg19) VCF-style: chrX-122387275-C-T.
Other names: c.390C>T, p.Pro130= (NM_000828.5).
Identifiers: ClinVar variation 708291 (VCV000708291.13), dbSNP rs142947328, ClinGen allele CA10506889.

ClinVar aggregate classification (germline): Benign/Likely benign. Review status: criteria provided, multiple submitters, no conflicts (2 of 4 stars). 4 submissions from 4 submitters: Benign (1); Likely benign (3). Last evaluated 2026-01-12.

Conditions:
Inborn genetic diseases. Identifiers: MedGen C0950123, MeSH D030342.

Allele frequency attached by ClinVar (database versions not stated): ESP Exome Variant Server 0.00009; gnomAD exomes 0.00015 and 0.00088; gnomAD 0.00040 and 0.00042; TOPMed 0.00056; 1000 Genomes Project 0.00079; 1000 Genomes Project 30x 0.00083; ExAC 0.00083.
gnomAD v4.1: 227 of 1,209,848 alleles (0.019%); highest among the groups gnomAD compares: East Asian, 0.49%; 2 homozygotes.

Submissions (4):

Labcorp Genetics (formerly Invitae), Labcorp
Classification: Benign. Last evaluated: 2026-01-12. Review status: criteria provided, single submitter. Criteria: Invitae Variant Classification Sherloc (09022015). Collection method: clinical testing. Allele origin: germline.

Blueprint Genetics
Classification: Likely benign. Last evaluated: 2024-04-04. Review status: criteria provided, single submitter. Criteria: ACMG Guidelines, 2015. Collection method: clinical testing. Allele origin: germline.

GeneDx
Classification: Likely benign. Last evaluated: 2022-02-09. Review status: criteria provided, single submitter. Criteria: GeneDx Variant Classification Process June 2021. Collection method: clinical testing. Allele origin: germline. Affected: yes.
Comment: See Variant Classification Assertion Criteria.

Ambry Genetics
Classification: Likely benign for Inborn genetic diseases. Last evaluated: 2015-09-25. Review status: criteria provided, single submitter. Criteria: Ambry Variant Classification Scheme 2023. Collection method: clinical testing. Allele origin: germline.